The following is an entry in ClinVar:

ClinVar aggregate classification (germline): Conflicting classifications of pathogenicity. Review status: criteria provided, conflicting classifications (1 of 4 stars). 13 submissions from 13 submitters: Uncertain significance (10); Likely benign (3). Last evaluated 2026-08-26.

Conditions:
TTN-related disorder. Also called: TTN-related condition; TTN-related disease; TTN-related disorders.
Cardiovascular phenotype. Identifiers: MedGen CN230736.
Autosomal recessive limb-girdle muscular dystrophy type 2J (LGMDR10). Also called: Limb-girdle muscular dystrophy, type 2J; MUSCULAR DYSTROPHY, LIMB-GIRDLE, AUTOSOMAL RECESSIVE 10. Identifiers: Orphanet 140922, MedGen C1837342, MONDO:0012127, OMIM 608807.
Dilated cardiomyopathy 1G (CMD1G). Identifiers: Orphanet 154, MedGen C1858763, MONDO:0011400, OMIM 604145.
Tibial muscular dystrophy (TMD). Also called: Tibial muscular dystrophy, tardive; UDD MYOPATHY; Udd Distal Myopathy – Tibial Muscular Dystrophy. Identifiers: Orphanet 609, MedGen C1838244, MONDO:0010870, OMIM 600334.
Myopathy, myofibrillar, 9, with early respiratory failure (MFM9). Also called: Hereditary myopathy with early respiratory failure; MYOPATHY, PROXIMAL, WITH EARLY RESPIRATORY MUSCLE INVOLVEMENT; Myopathy, distal, with early respiratory failure, autosomal dominant; EDSTROM MYOPATHY. Identifiers: Orphanet 178464, Orphanet 34521, MedGen C1863599, MONDO:0011362, OMIM 603689.
Hypertrophic cardiomyopathy 9. Also called: Familial hypertrophic cardiomyopathy 9. Identifiers: MedGen C1861065, MONDO:0013412, OMIM 613765.
Early-onset myopathy with fatal cardiomyopathy (CMYO5). Also called: CONGENITAL MYOPATHY 5 WITH CARDIOMYOPATHY; Salih Myopathy. Identifiers: Orphanet 289377, MedGen C2673677, MONDO:0012714, OMIM 611705. Disease mechanism: loss of function.
Cardiomyopathy (CMYO). Also called: Cardiomyopathies. Identifiers: Orphanet 167848, MedGen C0878544, MONDO:0004994, HP:0001638. Inheritance: Various modes of inheritance.

Allele frequency attached by ClinVar (database versions not stated): gnomAD 0.00009; gnomAD exomes 0.00009 and 0.00018; TOPMed 0.00011; ExAC 0.00012; ESP Exome Variant Server 0.00042.
gnomAD v4.1: 286 of 1,613,854 alleles (0.018%); highest among the groups gnomAD compares: Non-Finnish European, 0.022%; no homozygotes.

Submissions (13):

PreventionGenetics, part of Exact Sciences
Classification: Uncertain significance for TTN-related condition. Last evaluated: 2026-08-26. Review status: criteria provided, single submitter. Criteria: ACMG Guidelines, 2015. Collection method: clinical testing. Allele origin: germline.
Comment: The TTN c.101378A>T variant is predicted to result in the amino acid substitution p.Asp33793Val. To our knowledge, this variant has not been reported in the literature. This variant is reported in 0.019% of alleles in individuals of European (Non-Finnish) descent in gnomAD. At this time, the clinical significance of this variant is uncertain due to the absence of conclusive functional and genetic evidence.

Women's Health and Genetics/Laboratory Corporation of America, LabCorp
Classification: Uncertain significance. Last evaluated: 2025-08-29. Review status: criteria provided, single submitter. Criteria: LabCorp Variant Classification Summary - May 2015. Collection method: clinical testing. Allele origin: germline.
Comment: Variant summary: TTN c.93674A>T (p.Asp31225Val) results in a non-conservative amino acid change located in the M-band domain of the encoded protein sequence. Algorithms developed to predict the effect of missense changes on protein structure and function are either unavailable or do not agree on the potential impact of this missense change. The variant allele was found at a frequency of 8.8e-05 in 249074 control chromosomes. This frequency is not significantly higher than estimated for disease-causing variants in TTN, allowing no conclusion about variant significance. To our knowledge, no occurrence of c.93674A>T in individuals affected with TTN-related conditions and no experimental evidence demonstrating its impact on protein function have been reported. ClinVar contains an entry for this variant (Variation ID: 229561). Based on the evidence outlined above, the variant was classified as uncertain significance.

Molecular Diagnostic Laboratory for Inherited Cardiovascular Disease, Montreal Heart Institute
Classification: Likely benign. Last evaluated: 2025-04-09. Review status: criteria provided, single submitter. Criteria: ACMG Guidelines, 2015. Collection method: clinical testing. Allele origin: germline. Affected: no.

CeGaT Center for Human Genetics Tuebingen
Classification: Uncertain significance. Last evaluated: 2025-01-01. Review status: criteria provided, single submitter. Criteria: CeGaT Center For Human Genetics Tuebingen Variant Classification Criteria Version 2. Collection method: clinical testing. Allele origin: germline. Affected: yes. Observed: 1 variant allele.

Blueprint Genetics
Classification: Likely benign. Last evaluated: 2024-03-02. Review status: criteria provided, single submitter. Criteria: ACMG Guidelines, 2015. Collection method: clinical testing. Allele origin: germline.

Revvity Omics, Revvity
Classification: Uncertain significance. Last evaluated: 2023-02-07. Review status: criteria provided, single submitter. Criteria: ACMG Guidelines, 2015. Collection method: clinical testing. Allele origin: germline.

Department of Pathology and Laboratory Medicine, Sinai Health System
Classification: Uncertain significance for Tibial muscular dystrophy; Myopathy, myofibrillar, 9, with early respiratory failure; Dilated cardiomyopathy 1G; Autosomal recessive limb-girdle muscular dystrophy type 2J; Early-onset myopathy with fatal cardiomyopathy; Hypertrophic cardiomyopathy 9. Last evaluated: 2020-08-31. Review status: criteria provided, single submitter. Criteria: ACMG Guidelines, 2015. Collection method: research. Allele origin: germline.

Ambry Genetics
Classification: Uncertain significance for Cardiovascular phenotype. Last evaluated: 2019-12-04. Review status: criteria provided, single submitter. Criteria: Ambry Variant Classification Scheme 2023. Collection method: clinical testing. Allele origin: germline.
Comment: The p.D24728V variant (also known as c.74183A>T), located in coding exon 185 of the TTN gene, results from an A to T substitution at nucleotide position 74183. The aspartic acid at codon 24728 is replaced by valine, an amino acid with highly dissimilar properties. This amino acid position is highly conserved in available vertebrate species. In addition, the in silico prediction for this alteration is inconclusive. Since supporting evidence is limited at this time, the clinical significance of this alteration remains unclear.

GeneDx
Classification: Likely benign. Last evaluated: 2019-09-26. Review status: criteria provided, single submitter. Criteria: GeneDx Variant Classification Process June 2021. Collection method: clinical testing. Allele origin: germline. Affected: yes.

Eurofins Ntd Llc (ga)
Classification: Uncertain significance. Last evaluated: 2017-12-05. Review status: criteria provided, single submitter. Criteria: EGL Classification Definitions 2015. Collection method: clinical testing. Allele origin: germline. Observed: 1 variant allele, 1 heterozygote.

Labcorp Genetics (formerly Invitae), Labcorp
Classification: Uncertain significance for Dilated cardiomyopathy 1G; Autosomal recessive limb-girdle muscular dystrophy type 2J. Last evaluated: 2017-11-23. Review status: criteria provided, single submitter. Criteria: Invitae Variant Classification Sherloc (09022015). Collection method: clinical testing. Allele origin: germline.

CHEO Genetics Diagnostic Laboratory, Children's Hospital of Eastern Ontario
Classification: Uncertain significance for Cardiomyopathy. Last evaluated: 2017-04-28. Review status: criteria provided, single submitter. Criteria: ACMG Guidelines, 2015. Collection method: clinical testing. Allele origin: germline. Study: Canadian Open Genetics Repository.

Laboratory for Molecular Medicine, Mass General Brigham Personalized Medicine
Classification: Uncertain significance. Last evaluated: 2015-03-05. Review status: criteria provided, single submitter. Criteria: LMM Criteria. Collection method: clinical testing. Allele origin: germline. Observed: 1 variant allele.
Comment: The p.Asp31225Val variant in TTN has not been previously reported in individuals with cardiomyopathy, but has been identified in 14/66724 of European American c hromosomes by the Exome Aggregation Consortium (ExAC .org; dbSNP rs200675195). Computational prediction tools and conservation analys is suggest that this variant may impact the protein, though this information is not predictive enough to determine pathogenicity. In summary, the clinical signi ficance of the p.Asp31225Val variant is uncertain.

NM_001267550.2(TTN):c.101378A>T (p.Asp33793Val)

Genes: TTN-AS1 (TTN antisense RNA 1; plus strand), TTN (titin; minus strand). Cytogenetic location: 2q31.2.
Variant type: single nucleotide variant.
Coding change: c.101378A>T on transcript NM_001267550.2 (MANE Select); coding-DNA position 101378, A replaced by T.
Protein change: p.Asp33793Val; replaces aspartic acid 33793 with valine.
Molecular consequence: missense variant.
Genome position (GRCh38, 1-based): chr2:178,535,237, T>A on the plus strand (A>T on the coding strand, the complement: TTN is on the minus strand). VCF-style: chr2-178535237-T-A. GRCh37 (hg19) VCF-style: chr2-179399964-T-A.
Other names: c.96455A>T, p.Asp32152Val (NM_001256850.1); c.93674A>T, p.Asp31225Val (NM_133378.4); c.74183A>T, p.Asp24728Val (NM_003319.4); c.74558A>T, p.Asp24853Val (NM_133432.3); c.74759A>T, p.Asp24920Val (NM_133437.4); short protein forms D31225V, D33793V, D32152V, D24728V, D24920V, D24853V.
Identifiers: ClinVar variation 229561 (VCV000229561.40), dbSNP rs200675195, ClinGen allele CA1985896.